The following is an entry in ClinVar:

ClinVar aggregate classification (germline): Uncertain significance. Review status: criteria provided, multiple submitters, no conflicts (2 of 4 stars). 2 submissions from 2 submitters: Uncertain significance (2). Last evaluated 2025-10-29.

Conditions:
Inborn genetic diseases. Identifiers: MedGen C0950123, MeSH D030342.

Allele frequency attached by ClinVar (database versions not stated): gnomAD exomes below 0.00001 and 0.00002; ExAC 0.00001; TOPMed 0.00001; gnomAD 0.00001.
gnomAD v4.1: 24 of 1,614,024 alleles (0.0015%); highest among the groups gnomAD compares: Non-Finnish European, 0.0019%; no homozygotes.

Submissions (2):

Labcorp Genetics (formerly Invitae), Labcorp
Classification: Uncertain significance. Last evaluated: 2025-10-29. Review status: criteria provided, single submitter. Criteria: Invitae Variant Classification Sherloc (09022015). Collection method: clinical testing. Allele origin: germline.
Comment: This sequence change replaces leucine, which is neutral and non-polar, with valine, which is neutral and non-polar, at codon 190 of the ATP1A1 protein (p.Leu190Val). This variant is present in population databases (rs747627862, gnomAD 0.0009%). This variant has not been reported in the literature in individuals affected with ATP1A1-related conditions. ClinVar contains an entry for this variant (Variation ID: 1514553). Invitae Evidence Modeling of protein sequence and biophysical properties (such as structural, functional, and spatial information, amino acid conservation, physicochemical variation, residue mobility, and thermodynamic stability) indicates that this missense variant is not expected to disrupt ATP1A1 protein function with a negative predictive value of 95%. In summary, the available evidence is currently insufficient to determine the role of this variant in disease. Therefore, it has been classified as a Variant of Uncertain Significance.

Ambry Genetics
Classification: Uncertain significance for Inborn genetic diseases. Last evaluated: 2025-08-26. Review status: criteria provided, single submitter. Criteria: Ambry Variant Classification Scheme 2023. Collection method: clinical testing. Allele origin: germline.

NM_000701.8(ATP1A1):c.568C>G (p.Leu190Val)

Gene: ATP1A1 (ATPase Na+/K+ transporting subunit alpha 1; plus strand). Cytogenetic location: 1p13.1.
Variant type: single nucleotide variant.
Coding change: c.568C>G on transcript NM_000701.8 (MANE Select); coding-DNA position 568, C replaced by G.
Protein change: p.Leu190Val; replaces leucine 190 with valine.
Molecular consequence: missense variant.
Genome position (GRCh38, 1-based): chr1:116,388,704, C>G. VCF-style: chr1-116388704-C-G. GRCh37 (hg19) VCF-style: chr1-116931326-C-G.
Other names: c.568C>G (NM_001160233.1); c.568C>G, p.Leu190Val (NM_001160233.2); c.475C>G, p.Leu159Val (NM_001160234.2); short protein forms L190V, L159V.
Identifiers: ClinVar variation 1514553 (VCV001514553.10), dbSNP rs747627862, ClinGen allele CA1025146.